The following is an entry in ClinVar:

ClinVar aggregate classification (germline): Likely benign. Review status: criteria provided, multiple submitters, no conflicts (2 of 4 stars). 3 submissions from 3 submitters: Likely benign (3). Last evaluated 2026-01-27.

Conditions:
PLEKHG5-related disorder. Also called: PLEKHG5-related condition.
Charcot-Marie-Tooth disease recessive intermediate C. Also called: CHARCOT-MARIE-TOOTH NEUROPATHY, RECESSIVE INTERMEDIATE C. Identifiers: Orphanet 369867, MedGen C3809309, MONDO:0014154, OMIM 615376.
Neuronopathy, distal hereditary motor, autosomal recessive 4. Also called: Autosomal recessive lower motor neuron disease with childhood onset; NEUROPATHY, DISTAL HEREDITARY MOTOR, AUTOSOMAL RECESSIVE 4. Identifiers: Orphanet 206580, MedGen C1970211, MONDO:0012608, OMIM 611067.

Allele frequency attached by ClinVar (database versions not stated): gnomAD exomes 0.00005 and 0.00009; ExAC 0.00014; ESP Exome Variant Server 0.00015; TOPMed 0.00042; gnomAD 0.00045 and 0.00050; 1000 Genomes Project 30x 0.00078; 1000 Genomes Project 0.00080.
gnomAD v4.1: 139 of 1,613,588 alleles (0.0086%); highest among the groups gnomAD compares: African/African-American, 0.16%; no homozygotes.

Submissions (3):

PreventionGenetics, part of Exact Sciences
Classification: Likely benign for PLEKHG5-related condition. Last evaluated: 2026-01-27. Review status: criteria provided, single submitter. Criteria: ACMG Guidelines, 2015. Collection method: clinical testing. Allele origin: germline.
Comment: This variant is classified as likely benign based on ACMG/AMP sequence variant interpretation guidelines (Richards et al. 2015 PMID: 25741868, with internal and published modifications).

Labcorp Genetics (formerly Invitae), Labcorp
Classification: Likely benign for Neuronopathy, distal hereditary motor, autosomal recessive 4; Charcot-Marie-Tooth disease recessive intermediate C. Last evaluated: 2025-12-22. Review status: criteria provided, single submitter. Criteria: Invitae Variant Classification Sherloc (09022015). Collection method: clinical testing. Allele origin: germline.

GeneDx
Classification: Likely benign. Last evaluated: 2018-03-09. Review status: criteria provided, single submitter. Criteria: GeneDx Variant Classification (06012015). Collection method: clinical testing. Allele origin: germline. Affected: yes.
Comment: This variant is considered likely benign or benign based on one or more of the following criteria: it is a conservative change, it occurs at a poorly conserved position in the protein, it is predicted to be benign by multiple in silico algorithms, and/or has population frequency not consistent with disease.

NM_020631.6(PLEKHG5):c.1023G>A (p.Val341=)

Gene: PLEKHG5 (pleckstrin homology and RhoGEF domain containing G5; minus strand). Cytogenetic location: 1p36.31.
Variant type: single nucleotide variant.
Coding change: c.1023G>A on transcript NM_020631.6 (MANE Select); coding-DNA position 1023, G replaced by A.
Protein change: p.Val341=; no amino-acid change (valine 341 retained).
Molecular consequence: synonymous variant.
Genome position (GRCh38, 1-based): chr1:6,472,584, C>T on the plus strand (G>A on the coding strand, the complement: PLEKHG5 is on the minus strand). VCF-style: chr1-6472584-C-T. GRCh37 (hg19) VCF-style: chr1-6532644-C-T.
Other names: c.1134G>A, p.Val378= (NM_001042663.3, NM_001265592.2); c.1023G>A, p.Val341= (NM_001042664.2, NM_001042665.2, NM_001265594.3 and 1 more transcripts); c.1230G>A, p.Val410= (NM_001265593.2).
Identifiers: ClinVar variation 392397 (VCV000392397.13), dbSNP rs199903533, ClinGen allele CA561671.
Genomic context (GRCh38, chr1:6,472,584, plus strand): 5'-CACGTTGATGATCACCCGCAGTTTCCTGATGTAGGAGGCCTCCGTGTGCAGCAGCTCCCA[C>T]ACCGCCTCCTGCTGGTGGCACTGCCGCCGGGTCAGCTTCTAGAGGGAGGGCAGGATGGGT-3'
Protein context (NP_065682.2, residues 331-351): TRRQCHQQEA[Val341=]WELLHTEASY